The following is an entry in ClinVar:

NM_005005.3(NDUFB9):c.256C>T (p.Pro86Ser)

Gene: NDUFB9 (NADH:ubiquinone oxidoreductase subunit B9; plus strand). Cytogenetic location: 8q24.13.
Variant type: single nucleotide variant.
Coding change: c.256C>T on transcript NM_005005.3 (MANE Select); coding-DNA position 256, C replaced by T.
Protein change: p.Pro86Ser; replaces proline 86 with serine.
Molecular consequence: missense variant.
Genome position (GRCh38, 1-based): chr8:124,543,241, C>T. VCF-style: chr8-124543241-C-T. GRCh37 (hg19) VCF-style: chr8-125555482-C-T.
Other names: c.88C>T, p.Pro30Ser (NM_001278645.2); c.127C>T, p.Pro43Ser (NM_001278646.2); c.223C>T, p.Pro75Ser (NM_001311168.2); short protein forms P86S, P75S, P43S, P30S.
Identifiers: ClinVar variation 1960418 (VCV001960418.6), dbSNP rs749327318, ClinGen allele CA4871499.

ClinVar aggregate classification (germline): Uncertain significance. Review status: criteria provided, multiple submitters, no conflicts (2 of 4 stars). 2 submissions from 2 submitters: Uncertain significance (2). Last evaluated 2024-01-26.

Allele frequency attached by ClinVar (database versions not stated): ExAC 0.00001; gnomAD 0.00001; TOPMed 0.00001.

Submissions (2):

Labcorp Genetics (formerly Invitae), Labcorp
Classification: Uncertain significance. Last evaluated: 2024-01-26. Review status: criteria provided, single submitter. Criteria: Invitae Variant Classification Sherloc (09022015). Collection method: clinical testing. Allele origin: germline.
Comment: This sequence change replaces proline, which is neutral and non-polar, with serine, which is neutral and polar, at codon 86 of the NDUFB9 protein (p.Pro86Ser). This variant is present in population databases (rs749327318, gnomAD 0.0009%). This variant has not been reported in the literature in individuals affected with NDUFB9-related conditions. ClinVar contains an entry for this variant (Variation ID: 1960418). An algorithm developed to predict the effect of missense changes on protein structure and function (PolyPhen-2) suggests that this variant is likely to be disruptive. In summary, the available evidence is currently insufficient to determine the role of this variant in disease. Therefore, it has been classified as a Variant of Uncertain Significance.

Ambry Genetics
Classification: Uncertain significance. Last evaluated: 2021-08-02. Review status: criteria provided, single submitter. Criteria: Ambry Variant Classification Scheme 2023. Collection method: clinical testing. Allele origin: germline.